The following is an entry in ClinVar:

ClinVar aggregate classification (germline): Uncertain significance (1 of 4 stars; one submission).

Submission:

Labcorp Genetics (formerly Invitae), Labcorp
Classification: Uncertain significance. Last evaluated: 2022-06-08. Review status: criteria provided, single submitter. Criteria: Invitae Variant Classification Sherloc (09022015). Collection method: clinical testing. Allele origin: germline.
Comment: This sequence change replaces aspartic acid, which is acidic and polar, with asparagine, which is neutral and polar, at codon 958 of the GRIP1 protein (p.Asp958Asn). In summary, the available evidence is currently insufficient to determine the role of this variant in disease. Therefore, it has been classified as a Variant of Uncertain Significance. Algorithms developed to predict the effect of missense changes on protein structure and function (SIFT, PolyPhen-2, Align-GVGD) all suggest that this variant is likely to be tolerated. This variant has not been reported in the literature in individuals affected with GRIP1-related conditions. This variant is not present in population databases (gnomAD no frequency).

NM_001366722.1(GRIP1):c.3028G>A (p.Asp1010Asn)

Gene: GRIP1 (glutamate receptor interacting protein 1; minus strand). Cytogenetic location: 12q14.3.
Variant type: single nucleotide variant.
Coding change: c.3028G>A on transcript NM_001366722.1 (MANE Select); coding-DNA position 3028, G replaced by A.
Protein change: p.Asp1010Asn; replaces aspartic acid 1010 with asparagine.
Molecular consequence: missense variant.
Genome position (GRCh38, 1-based): chr12:66,353,548, C>T on the plus strand (G>A on the coding strand, the complement: GRIP1 is on the minus strand). VCF-style: chr12-66353548-C-T. GRCh37 (hg19) VCF-style: chr12-66747328-C-T.
Other names: c.2827G>A, p.Asp943Asn (NM_001178074.2, NM_001379351.1); c.2947G>A, p.Asp983Asn (NM_001366723.1); c.2950G>A, p.Asp984Asn (NM_001366724.1); c.3106G>A, p.Asp1036Asn (NM_001379345.1); c.2983G>A, p.Asp995Asn (NM_001379346.1); c.2905G>A, p.Asp969Asn (NM_001379347.1); c.2902G>A, p.Asp968Asn (NM_001379348.1); c.2875G>A, p.Asp959Asn (NM_001379349.1); and 1 more; short protein forms D943N, D968N, D969N, D1010N, D959N, D984N, D995N, D1036N.
Identifiers: ClinVar variation 2116254 (VCV002116254.4), dbSNP rs2499610217, ClinGen allele CA385620817.